The following is an entry in ClinVar:

NM_003491.4(NAA10):c.472-2A>C

Gene: NAA10 (N-alpha-acetyltransferase 10, NatA catalytic subunit; minus strand). Cytogenetic location: Xq28.
Variant type: single nucleotide variant.
Coding change: c.472-2A>C on transcript NM_003491.4 (MANE Select); the canonical splice acceptor site of the intron before coding-DNA position 472, A replaced by C.
Molecular consequence: splice acceptor variant.
Genome position (GRCh38, 1-based): chrX:153,930,225, T>G on the plus strand (A>C on the coding strand, the complement: NAA10 is on the minus strand). VCF-style: chrX-153930225-T-G. GRCh37 (hg19) VCF-style: chrX-153195678-T-G.
Other names: c.454-2A>C (NM_001256120.2); c.427-2A>C (NM_001256119.2).
Identifiers: ClinVar variation 1028122 (VCV001028122.1), dbSNP rs2065158556, ClinGen allele CA415156020.

ClinVar aggregate classification (germline): Pathogenic (1 of 4 stars; one submission).

Conditions:
Ogden syndrome (OGDNS). Also called: N-TERMINAL ACETYLTRANSFERASE DEFICIENCY. Identifiers: Orphanet 276432, MedGen C3275447, MONDO:0010457, OMIM 300855.

Submission:

Baylor Genetics
Classification: Pathogenic for Ogden syndrome. Last evaluated: 2020-05-05. Review status: criteria provided, single submitter. Criteria: ACMG Guidelines, 2015. Collection method: clinical testing. Allele origin: unknown. Affected: yes.
Comment: This variant was determined to be pathogenic according to ACMG Guidelines, 2015 [PMID:25741868].